The following is an entry in ClinVar:

NM_000428.3(LTBP2):c.3093C>T (p.Ser1031=)

Gene: LTBP2 (latent transforming growth factor beta binding protein 2; minus strand). Cytogenetic location: 14q24.3.
Variant type: single nucleotide variant.
Coding change: c.3093C>T on transcript NM_000428.3 (MANE Select); coding-DNA position 3093, C replaced by T.
Protein change: p.Ser1031=; no amino-acid change (serine 1031 retained).
Molecular consequence: synonymous variant.
Genome position (GRCh38, 1-based): chr14:74,510,149, G>A on the plus strand (C>T on the coding strand, the complement: LTBP2 is on the minus strand). VCF-style: chr14-74510149-G-A. GRCh37 (hg19) VCF-style: chr14-74976852-G-A.
Identifiers: ClinVar variation 884733 (VCV000884733.13), dbSNP rs45473602, ClinGen allele CA7269288.

ClinVar aggregate classification (germline): Benign/Likely benign. Review status: criteria provided, multiple submitters, no conflicts (2 of 4 stars). 5 submissions from 4 submitters: Benign (3); Likely benign (2). Last evaluated 2026-02-02.

Conditions:
Weill-Marchesani syndrome. Also called: WM Syndrome; Mesodermal dysmorphodystrophy congenital. Identifiers: Orphanet 3449, MedGen C0265313, MONDO:0018096.
Glaucoma 3, primary congenital, D. Identifiers: Orphanet 98976, MedGen C2751316, MONDO:0013122, OMIM 613086.

Allele frequency attached by ClinVar (database versions not stated): gnomAD exomes 0.01700 and 0.01873; ExAC 0.01879; 1000 Genomes Project 30x 0.02327; 1000 Genomes Project 0.02416; gnomAD 0.02522 and 0.02563; TOPMed 0.02664; ESP Exome Variant Server 0.02753.
gnomAD v4.1: 29,020 of 1,614,128 alleles (1.8%); highest among the groups gnomAD compares: Middle Eastern, 4.8%; 413 homozygotes.

Submissions (5):

Labcorp Genetics (formerly Invitae), Labcorp
Classification: Benign. Last evaluated: 2026-02-02. Review status: criteria provided, single submitter. Criteria: Invitae Variant Classification Sherloc (09022015). Collection method: clinical testing. Allele origin: germline.

GeneDx
Classification: Benign. Last evaluated: 2021-10-07. Review status: criteria provided, single submitter. Criteria: GeneDx Variant Classification Process June 2021. Collection method: clinical testing. Allele origin: germline. Affected: yes.
Comment: This variant is associated with the following publications: (PMID: 22924778, 26425313)

Illumina Laboratory Services, Illumina
Classification: Likely benign for Glaucoma 3, primary congenital, D. Last evaluated: 2018-01-12. Review status: criteria provided, single submitter. Criteria: ICSL Variant Classification Criteria 13 December 2019. Collection method: clinical testing. Allele origin: germline.
Comment: This variant was observed in the ICSL laboratory as part of a predisposition screen in an ostensibly healthy population. It had not been previously curated by ICSL or reported in the Human Gene Mutation Database (HGMD: prior to June 1st, 2018), and was therefore a candidate for classification through an automated scoring system. Utilizing variant allele frequency, disease prevalence and penetrance estimates, and inheritance mode, an automated score was calculated to assess if this variant is too frequent to cause the disease. Based on the score and internal cut-off values, a variant classified as likely benign is not then subjected to further curation. The score for this variant resulted in a classification of likely benign for this disease.

Illumina Laboratory Services, Illumina
Classification: Benign for Weill-Marchesani syndrome. Last evaluated: 2018-01-12. Review status: criteria provided, single submitter. Criteria: ICSL Variant Classification Criteria 13 December 2019. Collection method: clinical testing. Allele origin: germline.
Comment: This variant was observed in the ICSL laboratory as part of a predisposition screen in an ostensibly healthy population. It had not been previously curated by ICSL or reported in the Human Gene Mutation Database (HGMD: prior to June 1st, 2018), and was therefore a candidate for classification through an automated scoring system. Utilizing variant allele frequency, disease prevalence and penetrance estimates, and inheritance mode, an automated score was calculated to assess if this variant is too frequent to cause the disease. Based on the score and internal cut-off values, a variant classified as benign is not then subjected to further curation. The score for this variant resulted in a classification of benign for this disease.

Breakthrough Genomics
Classification: Likely benign. Review status: criteria provided, single submitter. Criteria: ACMG Guidelines, 2015. Collection method: not provided. Allele origin: germline. Inheritance: Autosomal recessive inheritance. Affected: yes.